The following continues an entry in ClinVar:

NM_004937.3(CTNS):c.18_21del (p.Thr7fs)

Gene: CTNS. ClinVar aggregate classification (germline): Pathogenic. Pathogenic (17).

Submissions 15 to 22 of 22:

Baylor Genetics
Classification: Pathogenic for Juvenile nephropathic cystinosis; Nephropathic cystinosis; Ocular cystinosis. Review status: criteria provided, single submitter. Criteria: ACMG Guidelines, 2015. Collection method: clinical testing. Allele origin: germline.

Kariminejad - Najmabadi Pathology & Genetics Center
Classification: Pathogenic for Nephropathic cystinosis. Review status: criteria provided, single submitter. Criteria: ACMG Guidelines, 2015. Collection method: clinical testing. Allele origin: germline. Affected: no.

Neuberg Centre For Genomic Medicine, NCGM
Classification: Pathogenic for Nephropathic cystinosis. Review status: criteria provided, single submitter. Criteria: ACMG Guidelines, 2015. Collection method: clinical testing. Allele origin: germline. Inheritance: Autosomal recessive inheritance. Affected: yes.
Comment: The frameshift deletion p.T7Ffs*7 in CTNS (NM_004937.3) has been observed as homozygous or in combination with another CTNS variant in individuals and families affected with nephropathic cystinosis (Town M et al; Onenli et al). The variant has been reported to ClinVar as Pathogenic. The p.T7Ffs*7 variant is observed in 4/30,612 (0.0131%) alleles from individuals of South Asian background in gnomAD Exomes and is novel (not in any individuals) in 1000 Genomes. This variant is predicted to cause loss of normal protein function through protein truncation caused a frameshift mutation. The p.T7Ffs*7 variant is a loss of function variant in the gene CTNS, which is intolerant of Loss of Function variants, as indicated by the presence of existing pathogenic loss of function variant NP_004928.2:p.T7Ffs*7 and 26 others. For these reasons, this variant has been classified as Pathogenic.

PreventionGenetics, part of Exact Sciences
Classification: Pathogenic for CTNS-related condition. Last evaluated: 2023-11-17. Review status: no assertion criteria provided. Collection method: clinical testing. Allele origin: germline. Not counted in ClinVar's aggregate classification.
Comment: The CTNS c.18_21delGACT variant is predicted to result in a frameshift and premature protein termination (p.Thr7Phefs*7). This variant, also referred to as 357delGACT, has been reported in the homozygous and compound heterozygous state in cystinosis patients (e.g., Town et al. 1998. PubMed ID: 9537412; Macías-Vidal et al. 2009. PubMed ID: 19863563; Ghazi et al. 2017. PubMed ID: 28238446). This variant is reported in 0.013% of alleles in individuals of South Asian descent in gnomAD. Frameshift variants in CTNS are expected to be pathogenic. This variant is interpreted as pathogenic.

Counsyl
Classification: Pathogenic for Cystinosis. Last evaluated: 2014-06-17. Review status: no assertion criteria provided. Collection method: literature only. Allele origin: unknown. Inheritance: Autosomal recessive inheritance. Not counted in ClinVar's aggregate classification.

OMIM
Classification: Pathogenic for CYSTINOSIS, NEPHROPATHIC. Last evaluated: 2009-11-01. Review status: no assertion criteria provided. Collection method: literature only. Allele origin: germline. Not counted in ClinVar's aggregate classification.

OMIM
Classification: Pathogenic for CYSTINOSIS, LATE-ONSET JUVENILE OR ADOLESCENT NEPHROPATHIC TYPE. Last evaluated: 2009-11-01. Review status: no assertion criteria provided. Collection method: literature only. Allele origin: germline. Not counted in ClinVar's aggregate classification.

GeneReviews
No classification provided. Condition: Cystinosis. Review status: no classification provided. Collection method: literature only. Allele origin: germline. Affected: yes. Not counted in ClinVar's aggregate classification.

Literature cited by the submitters: PubMed 19863563 (cited by 4 submitters); PubMed 28276207 (cited by Variantyx, Inc. and Labcorp Genetics (formerly Invitae), Labcorp); PubMed 18752449 (cited by Variantyx, Inc.); PubMed 21786142 (cited by Variantyx, Inc. and Counsyl); PubMed 28238446 (cited by Variantyx, Inc.); PubMed 35006361 (cited by Variantyx, Inc.); PubMed 30849045 (cited by Variantyx, Inc.); PubMed 9537412 (cited by 6 submitters); PubMed 27102039 (cited by Variantyx, Inc. and Labcorp Genetics (formerly Invitae), Labcorp); PubMed 35738466 (cited by Laboratory of Cyto-molecular Genetics, Department of Anatomy, All India Institute of Medical Sciences (AIIMS), New Delhi); PubMed 33532864 (cited by Molecular Biology Laboratory, Fundació Puigvert); PubMed 9792862 (cited by Women's Health and Genetics/Laboratory Corporation of America, LabCorp); PubMed 12204010 (cited by Counsyl); NCBI Bookshelf NBK1400 (cited by GeneReviews).